The following is an entry in ClinVar:

ClinVar aggregate classification (germline): Uncertain significance (1 of 4 stars; one submission).

Conditions:
Spastic paraplegia. Identifiers: MedGen C0037772, HP:0001258.

Allele frequency attached by ClinVar (database versions not stated): gnomAD exomes below 0.00001; TOPMed 0.00001.
gnomAD v4.1: 22 of 1,613,836 alleles (0.0014%); highest among the groups gnomAD compares: Non-Finnish European, 0.0018%; no homozygotes.

Submission:

Labcorp Genetics (formerly Invitae), Labcorp
Classification: Uncertain significance for Spastic paraplegia. Last evaluated: 2021-08-31. Review status: criteria provided, single submitter. Criteria: Invitae Variant Classification Sherloc (09022015). Collection method: clinical testing. Allele origin: germline.
Comment: This sequence change replaces isoleucine with valine at codon 3594 of the SACS protein (p.Ile3594Val). The isoleucine residue is weakly conserved and there is a small physicochemical difference between isoleucine and valine. This variant is not present in population databases (ExAC no frequency). This variant has not been reported in the literature in individuals affected with SACS-related conditions. Algorithms developed to predict the effect of missense changes on protein structure and function output the following: SIFT: "Tolerated"; PolyPhen-2: "Benign"; Align-GVGD: "Class C0". The valine amino acid residue is found in multiple mammalian species, which suggests that this missense change does not adversely affect protein function. Algorithms developed to predict the effect of sequence changes on RNA splicing suggest that this variant may create or strengthen a splice site. In summary, the available evidence is currently insufficient to determine the role of this variant in disease. Therefore, it has been classified as a Variant of Uncertain Significance.

NM_014363.6(SACS):c.10780A>G (p.Ile3594Val)

Gene: SACS (sacsin molecular chaperone; minus strand). Cytogenetic location: 13q12.12.
Variant type: single nucleotide variant.
Coding change: c.10780A>G on transcript NM_014363.6 (MANE Select); coding-DNA position 10780, A replaced by G.
Protein change: p.Ile3594Val; replaces isoleucine 3594 with valine.
Molecular consequence: missense variant.
Genome position (GRCh38, 1-based): chr13:23,333,096, T>C on the plus strand (A>G on the coding strand, the complement: SACS is on the minus strand). VCF-style: chr13-23333096-T-C. GRCh37 (hg19) VCF-style: chr13-23907235-T-C.
Other names: c.10339A>G, p.Ile3447Val (NM_001278055.2); short protein forms I3594V, I3447V.
Identifiers: ClinVar variation 972492 (VCV000972492.6), dbSNP rs994425261, ClinGen allele CA387511437.